The following is an entry in ClinVar:

ClinVar aggregate classification (germline): Pathogenic (1 of 4 stars; one submission).

Submission:

Medical Genetic Center, Changzhi Maternal and Child Health Care Hospital
Classification: Pathogenic. Last evaluated: 2025-12-10. Review status: criteria provided, single submitter. Criteria: ACMG/ClinGen CNV Guidelines, 2019. Collection method: clinical testing. Allele origin: unknown.
Comment: 2A:16p11.2 recurrent region (proximal, BP4-BP5) (includes TBX6)

GRCh38/hg38 16p11.2(chr16:29568701-30291027)x3

Genes: ALDOA (aldolase, fructose-bisphosphate A; plus strand), ASPHD1 (aspartate beta-hydroxylase domain containing 1; plus strand), BOLA2B (bolA family member 2B; minus strand), C16orf54 (chromosome 16 open reading frame 54; minus strand), CDIPT (CDP-diacylglycerol--inositol 3-phosphatidyltransferase; minus strand) and 109 more. Cytogenetic location: 16p11.2.
Variant type: copy number gain.
Change: copy number 3 (three copies instead of two) of chr16:29,568,701-30,291,027 (722.3 kb, GRCh38 coordinates, 1-based), cytogenetic band 16p11.2.
Identifiers: ClinVar variation 4796101 (VCV004796101.1).